The following is an entry in ClinVar:

NM_001166108.2(PALLD):c.149T>A (p.Ile50Lys)

Gene: PALLD (palladin, cytoskeletal associated protein; plus strand). Cytogenetic location: 4q32.3.
Variant type: single nucleotide variant.
Coding change: c.149T>A on transcript NM_001166108.2 (MANE Select); coding-DNA position 149, T replaced by A.
Protein change: p.Ile50Lys; replaces isoleucine 50 with lysine.
Molecular consequence: missense variant.
Genome position (GRCh38, 1-based): chr4:168,511,653, T>A. VCF-style: chr4-168511653-T-A. GRCh37 (hg19) VCF-style: chr4-169432804-T-A.
Other names: c.149T>A, p.Ile50Lys (NM_016081.4); short protein forms I50K.
Identifiers: ClinVar variation 3304107 (VCV003304107.1).

ClinVar aggregate classification (germline): Uncertain significance (1 of 4 stars; one submission).

Submission:

Ambry Genetics
Classification: Uncertain significance. Last evaluated: 2024-05-31. Review status: criteria provided, single submitter. Criteria: Ambry Variant Classification Scheme 2023. Collection method: clinical testing. Allele origin: germline.
Comment: The p.I50K variant (also known as c.149T>A), located in coding exon 1 of the PALLD gene, results from a T to A substitution at nucleotide position 149. The isoleucine at codon 50 is replaced by lysine, an amino acid with dissimilar properties. This amino acid position is conserved. In addition, this alteration is predicted to be deleterious by in silico analysis. Based on the available evidence, the clinical significance of this variant remains unclear.